The following is an entry in ClinVar:

NM_000455.5(STK11):c.1282T>C (p.Ser428Pro)

Gene: STK11 (serine/threonine kinase 11; plus strand). Cytogenetic location: 19p13.3.
Variant type: single nucleotide variant.
Coding change: c.1282T>C on transcript NM_000455.5 (MANE Select); coding-DNA position 1282, T replaced by C.
Protein change: p.Ser428Pro; replaces serine 428 with proline.
Molecular consequence: missense variant. On other transcripts: non-coding transcript variant (1).
Genome position (GRCh38, 1-based): chr19:1,226,627, T>C. VCF-style: chr19-1226627-T-C. GRCh37 (hg19) VCF-style: chr19-1226626-T-C.
Other names: short protein forms S428P.
Identifiers: ClinVar variation 3072640 (VCV003072640.5), dbSNP rs1064793938, ClinGen allele CA402954208.

ClinVar aggregate classification (germline): Uncertain significance. Review status: criteria provided, multiple submitters, no conflicts (2 of 4 stars). 5 submissions from 5 submitters: Uncertain significance (5). Last evaluated 2026-06-22.

Conditions:
Hereditary cancer-predisposing syndrome. Also called: Tumor predisposition; Hereditary Cancer Syndrome; Neoplastic Syndromes, Hereditary; Hereditary neoplastic syndrome. Identifiers: Orphanet 140162, MedGen C0027672, MeSH D009386, MONDO:0015356.
Peutz-Jeghers syndrome (PJS). Also called: POLYPOSIS, HAMARTOMATOUS INTESTINAL; POLYPS-AND-SPOTS SYNDROME; Peutz-Jeghers polyposis; Periorificial lentiginosis syndrome. Identifiers: Orphanet 2869, MedGen C0031269, MeSH D010580, MONDO:0008280, OMIM 175200.
Melanoma, cutaneous malignant, susceptibility to, 1 (CMM1). Also called: B-K MOLE SYNDROME; DYSPLASTIC NEVUS SYNDROME, HEREDITARY; FAMILIAL ATYPICAL MOLE-MALIGNANT MELANOMA SYNDROME; MELANOMA, MALIGNANT. Identifiers: Orphanet 618, MedGen C1835047, MONDO:0007963, OMIM 155600.

Submissions (5):

Ambry Genetics
Classification: Uncertain significance for Hereditary cancer-predisposing syndrome. Last evaluated: 2026-06-22. Review status: criteria provided, single submitter. Criteria: Ambry Variant Classification Scheme 2023. Collection method: clinical testing. Allele origin: germline.
Comment: The p.S428P variant (also known as c.1282T>C), located in coding exon 9 of the STK11 gene, results from a T to C substitution at nucleotide position 1282. The serine at codon 428 is replaced by proline, an amino acid with similar properties. This amino acid position is highly conserved in available vertebrate species. In addition, this alteration is predicted to be tolerated by in silico analysis. Based on the available evidence, the clinical significance of this variant remains unclear.

Color Diagnostics, LLC DBA Color Health
Classification: Uncertain significance for Hereditary cancer-predisposing syndrome. Last evaluated: 2025-05-28. Review status: criteria provided, single submitter. Criteria: ACMG Guidelines, 2015. Collection method: clinical testing. Allele origin: germline.
Comment: This missense variant replaces serine with proline at codon 428 of the STK11 protein. Computational prediction suggests that this variant may not impact protein structure and function. To our knowledge, functional studies have not been reported for this variant. This variant has not been reported in individuals affected with STK11-related disorders in the literature. This variant has not been identified in the general population by the Genome Aggregation Database (gnomAD). The available evidence is insufficient to determine the role of this variant in disease conclusively. Therefore, this variant is classified as a Variant of Uncertain Significance.

Blueprint Genetics
Classification: Uncertain significance. Last evaluated: 2024-09-18. Review status: criteria provided, single submitter. Criteria: ACMG Guidelines, 2015. Collection method: clinical testing. Allele origin: germline.

Baylor Genetics
Classification: Uncertain significance for Melanoma, cutaneous malignant, susceptibility to, 1. Last evaluated: 2023-12-28. Review status: criteria provided, single submitter. Criteria: ACMG Guidelines, 2015. Collection method: clinical testing. Allele origin: unknown.

All of Us Research Program, National Institutes of Health
Classification: Uncertain significance for Peutz-Jeghers syndrome. Last evaluated: 2023-08-15. Review status: criteria provided, single submitter. Criteria: ACMG Guidelines, 2015. Collection method: clinical testing. Allele origin: germline. Inheritance: Autosomal dominant inheritance. Observed: 1 variant allele, 1 heterozygote.
Comment: This study involves interpretation of variants in research participants for the purpose of population health screening. Participant phenotype was not available at the time of variant classification. Additional details can be found in publication PMID: 35346344, PMCID: PMC8962531